The following is an entry in ClinVar:

ClinVar aggregate classification (germline): Uncertain significance (1 of 4 stars; one submission).

gnomAD v4.1: 36 of 1,614,006 alleles (0.0022%); highest among the groups gnomAD compares: Non-Finnish European, 0.0027%; no homozygotes.

Submission:

Labcorp Genetics (formerly Invitae), Labcorp
Classification: Uncertain significance. Last evaluated: 2024-07-03. Review status: criteria provided, single submitter. Criteria: Invitae Variant Classification Sherloc (09022015). Collection method: clinical testing. Allele origin: germline.
Comment: This sequence change replaces proline, which is neutral and non-polar, with serine, which is neutral and polar, at codon 333 of the TAB2 protein (p.Pro333Ser). This variant is present in population databases (rs373133434, gnomAD 0.006%). This variant has not been reported in the literature in individuals affected with TAB2-related conditions. Advanced modeling of protein sequence and biophysical properties (such as structural, functional, and spatial information, amino acid conservation, physicochemical variation, residue mobility, and thermodynamic stability) performed at Invitae indicates that this missense variant is not expected to disrupt TAB2 protein function with a negative predictive value of 80%. In summary, the available evidence is currently insufficient to determine the role of this variant in disease. Therefore, it has been classified as a Variant of Uncertain Significance.

NM_001292034.3(TAB2):c.997C>T (p.Pro333Ser)

Genes: TAB2 (TGF-beta activated kinase 1 (MAP3K7) binding protein 2; plus strand), LOC126859827 (BRD4-independent group 4 enhancer GRCh37_chr6:149699707-149700906; plus strand). Cytogenetic location: 6q25.1.
Variant type: single nucleotide variant.
Coding change: c.997C>T on transcript NM_001292034.3 (MANE Select); coding-DNA position 997, C replaced by T.
Protein change: p.Pro333Ser; replaces proline 333 with serine.
Molecular consequence: missense variant.
Genome position (GRCh38, 1-based): chr6:149,378,912, C>T. VCF-style: chr6-149378912-C-T. GRCh37 (hg19) VCF-style: chr6-149700048-C-T.
Other names: c.901C>T, p.Pro301Ser (NM_001292035.3); c.997C>T, p.Pro333Ser (NM_001369506.1, NM_015093.6); short protein forms P333S, P301S.
Identifiers: ClinVar variation 3709901 (VCV003709901.2).
Genomic context (GRCh38, chr6:149,378,912, plus strand): 5'-AACATTCAGAATATTTCAACAGGACCTCGAAAAAACCAGATTGAAATCAAACTTGAACCC[C>T]CACAAAGAAATAATTCTTCAAAACTGCGTTCTTCTGGACCTCGAACCTCCAGCACTTCCT-3'
Protein context (NP_001278963.1, residues 323-343): KNQIEIKLEP[Pro333Ser]QRNNSSKLRS